The following is an entry in ClinVar:

NM_001256545.2(MEGF10):c.116+10T>C

Gene: MEGF10 (multiple EGF like domains 10; plus strand). Cytogenetic location: 5q23.2.
Variant type: single nucleotide variant.
Coding change: c.116+10T>C on transcript NM_001256545.2 (MANE Select); 10 bases into the intron after coding-DNA position 116, T replaced by C.
Molecular consequence: intron variant.
Genome position (GRCh38, 1-based): chr5:127,331,434, T>C. VCF-style: chr5-127331434-T-C. GRCh37 (hg19) VCF-style: chr5-126667126-T-C.
Other names: p.?; c.116+10T>C (NM_032446.3, NM_001308119.2, NM_001308121.2).
Identifiers: ClinVar variation 262061 (VCV000262061.26), dbSNP rs10519949, ClinGen allele CA3391165.
Genomic context (GRCh38, chr5:127,331,434, plus strand): 5'-AGCATCACCTCTGAATCTTGAAGACCCTAATGTGTGTAGCCACTGGGAAAGGTAATGGTT[T>C]TGAAAGGAGCCTGACAAAGAATTGCTGAGAAGTTCCCTTATATACTGTAATTATCAGTCA-3'

ClinVar aggregate classification (germline): Benign/Likely benign. Review status: criteria provided, multiple submitters, no conflicts (2 of 4 stars). 7 submissions from 7 submitters: Benign (6); Likely benign (1). Last evaluated 2026-02-03.

Conditions:
MEGF10-related myopathy (CMYO10A). Also called: Congenital myopathy 10A, severe variant. Identifiers: Orphanet 439212, MedGen C3280679, MONDO:0013731, OMIM 614399.

Allele frequency attached by ClinVar (database versions not stated): gnomAD exomes 0.02129 and 0.03331; ESP Exome Variant Server 0.02568; gnomAD 0.02763 and 0.03034; TOPMed 0.02941; 1000 Genomes Project 0.06070; ExAC 0.03507; 1000 Genomes Project 30x 0.05871.
gnomAD v4.1: 34,025 of 1,516,882 alleles (2.2%); highest among the groups gnomAD compares: East Asian, 11%; 917 homozygotes.

Submissions (7):

Labcorp Genetics (formerly Invitae), Labcorp
Classification: Benign for MEGF10-related myopathy. Last evaluated: 2026-02-03. Review status: criteria provided, single submitter. Criteria: Invitae Variant Classification Sherloc (09022015). Collection method: clinical testing. Allele origin: germline.

Blueprint Genetics
Classification: Likely benign. Last evaluated: 2024-11-25. Review status: criteria provided, single submitter. Criteria: ACMG Guidelines, 2015. Collection method: clinical testing. Allele origin: germline.

Mayo Clinic Laboratories, Mayo Clinic
Classification: Benign. Last evaluated: 2018-01-18. Review status: criteria provided, single submitter. Criteria: ACMG Guidelines, 2015. Collection method: clinical testing. Allele origin: germline. Observed: 21 variant alleles.

Illumina Laboratory Services, Illumina
Classification: Benign for MEGF10-related myopathy. Last evaluated: 2018-01-13. Review status: criteria provided, single submitter. Criteria: ICSL Variant Classification Criteria 13 December 2019. Collection method: clinical testing. Allele origin: germline.
Comment: This variant was observed in the ICSL laboratory as part of a predisposition screen in an ostensibly healthy population. It had not been previously curated by ICSL or reported in the Human Gene Mutation Database (HGMD: prior to June 1st, 2018), and was therefore a candidate for classification through an automated scoring system. Utilizing variant allele frequency, disease prevalence and penetrance estimates, and inheritance mode, an automated score was calculated to assess if this variant is too frequent to cause the disease. Based on the score and internal cut-off values, a variant classified as benign is not then subjected to further curation. The score for this variant resulted in a classification of benign for this disease.

Laboratory for Molecular Medicine, Mass General Brigham Personalized Medicine
Classification: Benign. Last evaluated: 2016-03-29. Review status: criteria provided, single submitter. Criteria: LMM Criteria. Collection method: clinical testing. Allele origin: germline.
Comment: Variant identified in a genome or exome case(s) and assessed due to predicted null impact of the variant or pathogenic assertions in the literature or databases. Disclaimer: This variant has not undergone full assessment. The following are preliminary notes: 3.5% of total chromosomes in ExAC, 11% of E. Asian chromosomes

GeneDx
Classification: Benign. Last evaluated: 2016-03-10. Review status: criteria provided, single submitter. Criteria: GeneDx Variant Classification (06012015). Collection method: clinical testing. Allele origin: germline. Affected: yes.
Comment: This variant is considered likely benign or benign based on one or more of the following criteria: it is a conservative change, it occurs at a poorly conserved position in the protein, it is predicted to be benign by multiple in silico algorithms, and/or has population frequency not consistent with disease.

PreventionGenetics, part of Exact Sciences
Classification: Benign. Review status: criteria provided, single submitter. Criteria: ACMG Guidelines, 2015. Collection method: clinical testing. Allele origin: germline.